The following is an entry in ClinVar:

ClinVar aggregate classification (germline): Likely pathogenic (1 of 4 stars; one submission).

Conditions:
Jeune thoracic dystrophy. Also called: Short-rib thoracic dysplasia; Jeune syndrome; Infantile thoracic dystrophy; Thoracic pelvic phalangeal dystrophy; Jeune's syndrome; Chondroectodermal dysplasia-like syndrome. Identifiers: Orphanet 474, MedGen C0265275, MONDO:0018770.

Submission:

Rare Disease Group, Clinical Genetics, Karolinska Institutet
Classification: Likely pathogenic for Jeune thoracic dystrophy. Last evaluated: 2020-10-15. Review status: criteria provided, single submitter. Criteria: ACMG Guidelines, 2015. Collection method: research. Allele origin: inherited. Inheritance: Autosomal recessive inheritance. Affected: yes. Observed: 1 homozygote.
Comment: The deletion encompasses the first coding exon of all transcripts in IFT74, thus removing the transcription start site. Pathogenic variants in IFT74 have previously been reported in Bardet Biedl syndrome type 20 (BBS20 [MIM:617119]) in two patients with obesity, polydactyly and retinal dystrophy with and without intellectual disability, but no signs of skeletal dysplasia (PMID 27486776, PMID 32144365).

NM_025103.4(IFT74):c.-19-2025_120+884delinsTTA

Gene: IFT74 (intraflagellar transport 74; plus strand). Cytogenetic location: 9p21.2.
Variant type: Indel.
Coding change: c.-19-2025_120+884delinsTTA on transcript NM_025103.4 (MANE Select); 2025 bases into the intron before 19 bases upstream of the start codon through 884 bases into the intron after coding-DNA position 120, the reference bases replaced by TTA.
Molecular consequence: splice acceptor variant, splice donor variant, initiator codon variant.
Genome position (GRCh38, 1-based): chr9:26,959,924-26,962,971, 3,048 bases replaced. GRCh37 (hg19): chr9:26,959,922-26,962,969.
Other names: c.-19-2025_120+884delinsTTA (NM_001099223.3, NM_001099222.3, NM_001349928.2 and 1 more transcripts).
Identifiers: ClinVar variation 984954 (VCV000984954.4), ClinGen allele CA2499219829.